The following is an entry in ClinVar:

NM_006929.5(SKIC2):c.1635_1636insA (p.Gly546fs)

Gene: SKIC2 (SKI2 subunit of superkiller complex; plus strand). Cytogenetic location: 6p21.33.
Variant type: Insertion.
Coding change: c.1635_1636insA on transcript NM_006929.5 (MANE Select); coding-DNA positions 1635 to 1636, A inserted.
Protein change: p.Gly546fs; shifts the reading frame from glycine 546.
Molecular consequence: frameshift variant.
Genome position: GRCh38 VCF-style: chr6-31963721-G-GA. GRCh37 (hg19) VCF-style: chr6-31931498-G-GA.
Other names: short protein forms G546fs.
Identifiers: ClinVar variation 30071 (VCV000030071.6), dbSNP rs1562659544, ClinGen allele CA913185023.
Genomic context (GRCh38, chr6:31,963,721, plus strand): 5'-GAAGGAGAGAATGAGCAAACACGCCCAGACCTTTGGGGCCAAGCAGCCCACACATCAGGG[G>GA]GGCCCTGCACAGGTGAGAACTGGGAGGGTTTTGTACCTGCCAGCACCTGTTTTTCCTCCT-3'

ClinVar aggregate classification (germline): Pathogenic. Review status: criteria provided, single submitter (1 of 4 stars). 2 submissions from 2 submitters: Pathogenic (1). 1 of the submissions does not count toward it. Last evaluated 2020-02-06.

Conditions:
Trichohepatoenteric syndrome 2 (THES2). Identifiers: Orphanet 84064, MedGen C3281289, MONDO:0013818, OMIM 614602.

Allele frequency attached by ClinVar (database versions not stated): gnomAD exomes below 0.00001.

Submissions (2):

GeneDx
Classification: Pathogenic. Last evaluated: 2020-02-06. Review status: criteria provided, single submitter. Criteria: GeneDx Variant Classification Process June 2021. Collection method: clinical testing. Allele origin: germline. Affected: yes.
Comment: Frameshift variant predicted to result in protein truncation or nonsense mediated decay in a gene for which loss-of-function is a known mechanism of disease; Not observed in large population cohorts (Lek et al., 2016); This variant is associated with the following publications: (PMID: 22444670, 29868001, 23302111)

OMIM
Classification: Pathogenic for TRICHOHEPATOENTERIC SYNDROME 2. Last evaluated: 2012-04-06. Review status: no assertion criteria provided. Collection method: literature only. Allele origin: germline. Not counted in ClinVar's aggregate classification.

Literature cited by the submitters: PubMed 22444670 (cited by OMIM).